The following is an entry in ClinVar:

ClinVar aggregate classification (germline): Pathogenic/Likely pathogenic. Review status: criteria provided, multiple submitters, no conflicts (2 of 4 stars). 4 submissions from 4 submitters: Pathogenic (1); Likely pathogenic (3). Last evaluated 2025-08-25.

Conditions:
COL4A5-related disorder. Also called: COL4A5-related condition.
X-linked Alport syndrome (ATS1). Also called: COL4A5-Related Nephropathy; NEPHROPATHY AND DEAFNESS, X-LINKED. Identifiers: Orphanet 63, Orphanet 88917, MedGen C4746986, MONDO:0010520, OMIM 301050.

Submissions (4):

3billion
Classification: Pathogenic for COL4A5-related disorder. Last evaluated: 2025-08-25. Review status: criteria provided, single submitter. Criteria: ACMG Guidelines, 2015. Collection method: clinical testing. Allele origin: germline. Affected: yes.
Comment: The variant is not observed in the gnomAD v4.1.0 dataset. Predicted Consequence/Location: The variant is located in a mutational hot spot and/or well-established functional domain in which established pathogenic variants have been reported (PMID: 15365990). In silico tool predictions suggest damaging effect of the variant on gene or gene product [REVEL: 0.99 (>=0.6, sensitivity 0.68 and specificity 0.92); 3Cnet: 0.91 (> 0.75, sensitivity 0.96 and precision 0.92)]. The same nucleotide change resulting in the same amino acid change has been previously reported as pathogenic/likely pathogenic with strong evidence (ClinVar ID: VCV000024342 /PMID: 12105244). Different missense changes at the same codon (p.Gly307Arg, p.Gly307Ser) have been reported as pathogenic/likely pathogenic with strong evidence (ClinVar ID: VCV001522243, VCV001804105 /PMID: 34120753). Therefore, this variant is classified as Pathogenic (PS1_S, PM1_M, PM2_M, PM5_M, PP3_P) according to the recommendation of ACMG/AMP guideline.

Fulgent Genetics
Classification: Likely pathogenic for X-linked Alport syndrome. Last evaluated: 2024-05-03. Review status: criteria provided, single submitter. Criteria: ACMG Guidelines, 2015. Collection method: clinical testing. Allele origin: germline.

CeGaT Center for Human Genetics Tuebingen
Classification: Likely pathogenic. Last evaluated: 2017-10-31. Review status: criteria provided, single submitter. Criteria: Praxis fuer Humangenetik Tuebingen - Variant Classification Criteria. Collection method: clinical testing. Allele origin: germline. Affected: yes. Observed: 1 variant allele.

Juno Genomics, Hangzhou Juno Genomics, Inc
Classification: Likely pathogenic for X-linked Alport syndrome. Review status: criteria provided, single submitter. Criteria: ACMG Guidelines, 2015. Collection method: clinical testing. Allele origin: germline. Affected: yes.
Comment: Absent from controls (or at extremely low frequency if recessive) in Genome Aggregation Database, Exome Sequencing Project, 1000 Genomes Project, or Exome Aggregation Consortium.;Multiple lines of computational evidence support a deleterious effect on the gene or gene product (conservation, evolutionary, splicing impact, etc).;The prevalence of the variant in affected individuals is significantly increased compared to the prevalence in controls.

Literature cited by the submitters: PubMed 12105244 (cited by 3billion); PubMed 34120753 (cited by 3billion).

NM_033380.3(COL4A5):c.920G>A (p.Gly307Asp)

Gene: COL4A5 (collagen type IV alpha 5 chain; plus strand). Cytogenetic location: Xq22.3.
Variant type: single nucleotide variant.
Coding change: c.920G>A on transcript NM_033380.3 (MANE Select); coding-DNA position 920, G replaced by A.
Protein change: p.Gly307Asp; replaces glycine 307 with aspartic acid.
Molecular consequence: missense variant.
Genome position (GRCh38, 1-based): chrX:108,581,011, G>A. VCF-style: chrX-108581011-G-A. GRCh37 (hg19) VCF-style: chrX-107824241-G-A.
Other names: c.920G>A, p.Gly307Asp (NM_000495.5); short protein forms G307D.
Identifiers: ClinVar variation 24342 (VCV000024342.10), dbSNP rs104886082, ClinGen allele CA258356.